The following is an entry in ClinVar:

NM_002582.4(PARN):c.1064T>C (p.Phe355Ser)

Gene: PARN (poly(A)-specific ribonuclease; minus strand). Cytogenetic location: 16p13.12.
Variant type: single nucleotide variant.
Coding change: c.1064T>C on transcript NM_002582.4 (MANE Select); coding-DNA position 1064, T replaced by C.
Protein change: p.Phe355Ser; replaces phenylalanine 355 with serine.
Molecular consequence: missense variant.
Genome position (GRCh38, 1-based): chr16:14,584,364, A>G on the plus strand (T>C on the coding strand, the complement: PARN is on the minus strand). VCF-style: chr16-14584364-A-G. GRCh37 (hg19) VCF-style: chr16-14678221-A-G.
Other names: c.881T>C, p.Phe294Ser (NM_001134477.3); c.926T>C, p.Phe309Ser (NM_001242992.2); short protein forms F309S, F294S, F355S.
Identifiers: ClinVar variation 4794379 (VCV004794379.1).
Genomic context (GRCh38, chr16:14,584,364, plus strand): 5'-TTATTACAAAGAGTTTGGAGGGTTTCCGGTTTAATATTCTTACCAACTTTAGGAGGGTTG[A>G]AAGGTGTCTCTTTTAACCGCTTTTCCAATTCCGCAAGGGATGTGTTGTTAATGATATCCT-3'
Protein context (NP_002573.1, residues 345-365): ELEKRLKETP[Phe355Ser]NPPKVESAEG

ClinVar aggregate classification (germline): Uncertain significance (1 of 4 stars; one submission).

Conditions:
Dyskeratosis congenita, autosomal recessive 6 (DKCB6). Identifiers: MedGen C4225356, MONDO:0014600, OMIM 616353.
Pulmonary fibrosis and/or bone marrow failure, Telomere-related, 4. Also called: PULMONARY FIBROSIS AND/OR BONE MARROW FAILURE SYNDROME, TELOMERE-RELATED, 4. Identifiers: Orphanet 2032, MedGen C4225347, MONDO:0014612, OMIM 616371.

Submission:

Labcorp Genetics (formerly Invitae), Labcorp
Classification: Uncertain significance for Dyskeratosis congenita, autosomal recessive 6; Pulmonary fibrosis and/or bone marrow failure, Telomere-related, 4. Last evaluated: 2025-09-02. Review status: criteria provided, single submitter. Criteria: Invitae Variant Classification Sherloc (09022015). Collection method: clinical testing. Allele origin: germline.
Comment: This sequence change replaces phenylalanine, which is neutral and non-polar, with serine, which is neutral and polar, at codon 355 of the PARN protein (p.Phe355Ser). This variant is not present in population databases (gnomAD no frequency). This variant has not been reported in the literature in individuals affected with PARN-related conditions. Invitae Evidence Modeling of protein sequence and biophysical properties (such as structural, functional, and spatial information, amino acid conservation, physicochemical variation, residue mobility, and thermodynamic stability) indicates that this missense variant is not expected to disrupt PARN protein function with a negative predictive value of 80%. In summary, the available evidence is currently insufficient to determine the role of this variant in disease. Therefore, it has been classified as a Variant of Uncertain Significance.